The following is an entry in ClinVar:

NM_001077350.3(NPRL3):c.319-10T>A

Genes: HBA-LCR (alpha-globin locus control region; plus strand), NPRL3 (NPR3 like, GATOR1 complex subunit; minus strand). Cytogenetic location: 16p13.3.
Variant type: single nucleotide variant.
Coding change: c.319-10T>A on transcript NM_001077350.3 (MANE Select); 10 bases into the intron before coding-DNA position 319, T replaced by A.
Molecular consequence: intron variant.
Genome position (GRCh38, 1-based): chr16:117,385, A>T on the plus strand (T>A on the coding strand, the complement: NPRL3 is on the minus strand). VCF-style: chr16-117385-A-T. GRCh37 (hg19) VCF-style: chr16-167384-A-T.
Other names: c.85-10T>A (NM_001243247.2); c.318+1741T>A (NM_001243248.2, NM_001243249.2); c.-144-4610T>A (NM_001039476.3).
Identifiers: ClinVar variation 1002062 (VCV001002062.6), dbSNP rs1900090284, ClinGen allele CA2200863257.
Genomic context (GRCh38, chr16:117,385, plus strand): 5'-AAGAATCATAGTAGGTGCTTCCCTCTTCGGGGAAGGATCTGTTTTGGAGATCTGTAAAAG[A>T]TGCATAATTCTAATTAATTGAGACGACTTTCTAAGGAAAGCTGTTTAGAGCTATTCTACT-3'

ClinVar aggregate classification (germline): Uncertain significance (1 of 4 stars; one submission).

Conditions:
Epilepsy, familial focal, with variable foci 3 (FFEVF3). Identifiers: MedGen C4310708, MONDO:0014925, OMIM 617118.

Submission:

Labcorp Genetics (formerly Invitae), Labcorp
Classification: Uncertain significance for Epilepsy, familial focal, with variable foci 3. Last evaluated: 2022-02-05. Review status: criteria provided, single submitter. Criteria: Invitae Variant Classification Sherloc (09022015). Collection method: clinical testing. Allele origin: germline.
Comment: This sequence change falls in intron 4 of the NPRL3 gene. It does not directly change the encoded amino acid sequence of the NPRL3 protein. This variant is not present in population databases (gnomAD no frequency). This variant has not been reported in the literature in individuals affected with NPRL3-related conditions. ClinVar contains an entry for this variant (Variation ID: 1002062). Algorithms developed to predict the effect of sequence changes on RNA splicing suggest that this variant may disrupt the consensus splice site. In summary, the available evidence is currently insufficient to determine the role of this variant in disease. Therefore, it has been classified as a Variant of Uncertain Significance.